The following is an entry in ClinVar:

NM_001018005.2(TPM1):c.845C>G (p.Thr282Ser)

Gene: TPM1 (tropomyosin 1; plus strand). Cytogenetic location: 15q22.2.
Variant type: single nucleotide variant.
Coding change: c.845C>G on transcript NM_001018005.2 (MANE Select); coding-DNA position 845, C replaced by G.
Protein change: p.Thr282Ser; replaces threonine 282 with serine.
Molecular consequence: missense variant. On other transcripts: intron variant (12).
Genome position (GRCh38, 1-based): chr15:63,064,136, C>G. VCF-style: chr15-63064136-C-G. GRCh37 (hg19) VCF-style: chr15-63356335-C-G.
Other names: c.845C>G, p.Thr282Ser (NM_000366.6, NM_001301244.2, NM_001365779.1); c.737C>G, p.Thr246Ser (NM_001330346.2, NM_001365781.2, NM_001365782.1); c.898+1491C>G (NM_001365778.1); c.772+1491C>G (NM_001018020.2, NM_001018007.2, NM_001018006.2 and 3 more transcripts); c.664+1491C>G (NM_001330351.2, NM_001330344.2, NM_001018008.2 and 2 more transcripts); short protein forms T282S, T246S.
Identifiers: ClinVar variation 43449 (VCV000043449.48), dbSNP rs397516395, ClinGen allele CA018423.

ClinVar aggregate classification (germline): Benign. Review status: reviewed by expert panel (3 of 4 stars). 14 submissions from 13 submitters: Benign (1). 13 of the submissions do not count toward it. Last evaluated 2025-11-13.

Conditions:
Cardiovascular phenotype. Identifiers: MedGen CN230736.
Cardiomyopathy (CMYO). Also called: Cardiomyopathies. Identifiers: Orphanet 167848, MedGen C0878544, MONDO:0004994, HP:0001638. Inheritance: Various modes of inheritance.
Dilated cardiomyopathy 1Y (CMD1Y). Identifiers: Orphanet 154, Orphanet 54260, MedGen C2678476, MONDO:0012744, OMIM 611878.
Hypertrophic cardiomyopathy 3. Also called: TPM1-Related Familial Hypertrophic Cardiomyopathy. Identifiers: MedGen C1861863, MONDO:0007267, OMIM 115196.
Primary dilated cardiomyopathy (DCM). Also called: Dilated Cardiomyopathy. Identifiers: Orphanet 217604, MedGen C0007193, MeSH D002311, MONDO:0005021, HP:0001644. Inheritance: Various modes of inheritance.
Hypertrophic cardiomyopathy. Also called: HYPERTROPHIC MYOCARDIOPATHY. Identifiers: Orphanet 217569, MedGen C0007194, MeSH D002312, MONDO:0005045, HP:0001639.

Allele frequency attached by ClinVar (database versions not stated): gnomAD exomes 0.00013 and 0.00024; ExAC 0.00034; 1000 Genomes Project 30x 0.00062; 1000 Genomes Project 0.00080; gnomAD 0.00003 and 0.00013; TOPMed 0.00005.
gnomAD v4.1: 202 of 1,613,924 alleles (0.013%); highest among the groups gnomAD compares: South Asian, 0.16%; 2 homozygotes.

Submissions (14):

ClinGen Cardiomyopathy Variant Curation Expert Panel
Classification: Benign for Hypertrophic cardiomyopathy. Last evaluated: 2025-11-13. Review status: reviewed by expert panel. Criteria: ClinGen CMP ACMG Specifications TPM1 V1.0.0. Collection method: curation. Allele origin: germline. Inheritance: Autosomal dominant inheritance.
Comment: NM_001018005.2(TPM1):c.845C>G (p.Thr282Ser) - This variant has been identified in 0.0012 FAF (49/30422) of South Asian alleles by gnomAD v2.1.1.(BA1). In summary, this variant is classified as Benign for HCM in an autosomal dominant manner based on this allele frequency.

Labcorp Genetics (formerly Invitae), Labcorp
Classification: Likely benign for Hypertrophic cardiomyopathy. Last evaluated: 2026-01-26. Review status: criteria provided, single submitter. Criteria: Invitae Variant Classification Sherloc (09022015). Collection method: clinical testing. Allele origin: germline. Not counted in ClinVar's aggregate classification.

Women's Health and Genetics/Laboratory Corporation of America, LabCorp
Classification: Likely benign. Last evaluated: 2024-10-27. Review status: criteria provided, single submitter. Criteria: LabCorp Variant Classification Summary - May 2015. Collection method: clinical testing. Allele origin: germline. Not counted in ClinVar's aggregate classification.

All of Us Research Program, National Institutes of Health
Classification: Likely benign for Hypertrophic cardiomyopathy. Last evaluated: 2024-09-23. Review status: criteria provided, single submitter. Criteria: ACMG Guidelines, 2015. Collection method: clinical testing. Allele origin: germline. Inheritance: Autosomal dominant inheritance. Observed: 25 variant alleles, 25 heterozygotes. Not counted in ClinVar's aggregate classification.
Comment: This study involves interpretation of variants in research participants for the purpose of population health screening. Participant phenotype was not available at the time of variant classification. Additional details can be found in publication PMID: 35346344, PMCID: PMC8962531

CeGaT Center for Human Genetics Tuebingen
Classification: Likely benign. Last evaluated: 2024-09-01. Review status: criteria provided, single submitter. Criteria: CeGaT Center For Human Genetics Tuebingen Variant Classification Criteria Version 2. Collection method: clinical testing. Allele origin: germline. Affected: yes. Observed: 1 variant allele. Not counted in ClinVar's aggregate classification.
Comment: TPM1: PP2, BP4, BS1

ARUP Laboratories, Molecular Genetics and Genomics, ARUP Laboratories
Classification: Likely benign. Last evaluated: 2024-05-10. Review status: criteria provided, single submitter. Criteria: ARUP Molecular Germline Variant Investigation Process 2024. Collection method: clinical testing. Allele origin: germline. Not counted in ClinVar's aggregate classification.

GeneDx
Classification: Likely benign. Last evaluated: 2019-03-06. Review status: criteria provided, single submitter. Criteria: GeneDx Variant Classification Process June 2021. Collection method: clinical testing. Allele origin: germline. Affected: yes. Not counted in ClinVar's aggregate classification.
Comment: This variant is associated with the following publications: (PMID: 26265630)

Color Diagnostics, LLC DBA Color Health
Classification: Likely benign for Cardiomyopathy. Last evaluated: 2018-10-05. Review status: criteria provided, single submitter. Criteria: ACMG Guidelines, 2015. Collection method: clinical testing. Allele origin: germline. Not counted in ClinVar's aggregate classification.

Illumina Laboratory Services, Illumina
Classification: Uncertain significance for Hypertrophic cardiomyopathy 3. Last evaluated: 2018-01-13. Review status: criteria provided, single submitter. Criteria: ICSL Variant Classification Criteria 13 December 2019. Collection method: clinical testing. Allele origin: germline. Not counted in ClinVar's aggregate classification.

Illumina Laboratory Services, Illumina
Classification: Uncertain significance for Dilated cardiomyopathy 1Y. Last evaluated: 2018-01-13. Review status: criteria provided, single submitter. Criteria: ICSL Variant Classification Criteria 13 December 2019. Collection method: clinical testing. Allele origin: germline. Not counted in ClinVar's aggregate classification.

Ambry Genetics
Classification: Likely benign for Cardiovascular phenotype. Last evaluated: 2017-09-19. Review status: criteria provided, single submitter. Criteria: Ambry Variant Classification Scheme 2023. Collection method: clinical testing. Allele origin: germline. Not counted in ClinVar's aggregate classification.

Stanford Center for Inherited Cardiovascular Disease, Stanford University
Classification: Uncertain significance. Last evaluated: 2012-12-02. Review status: criteria provided, single submitter. Criteria: ACMG Guidelines, 2015. Collection method: provider interpretation. Allele origin: germline. Not counted in ClinVar's aggregate classification.

Genetics and Genomics Program, Sidra Medicine
Classification: Uncertain significance for Primary dilated cardiomyopathy. Review status: criteria provided, single submitter. Criteria: ACMG Guidelines, 2015. Collection method: research. Allele origin: unknown. Affected: yes. Observed: 1 variant allele. Not counted in ClinVar's aggregate classification.

Laboratory for Molecular Medicine, Mass General Brigham Personalized Medicine
Classification: Uncertain significance. Last evaluated: 2008-03-01. Review status: no assertion criteria provided. Collection method: clinical testing. Allele origin: germline. Observed: 1 variant allele. Not counted in ClinVar's aggregate classification.